The following is an entry in ClinVar:

NM_001386298.1(CIC):c.2892G>A (p.Pro964=)

Gene: CIC (capicua transcriptional repressor; plus strand). Cytogenetic location: 19q13.2.
Variant type: single nucleotide variant.
Coding change: c.2892G>A on transcript NM_001386298.1 (MANE Select); coding-DNA position 2892, G replaced by A.
Protein change: p.Pro964=; no amino-acid change (proline 964 retained).
Molecular consequence: synonymous variant.
Genome position (GRCh38, 1-based): chr19:42,286,868, G>A. VCF-style: chr19-42286868-G-A. GRCh37 (hg19) VCF-style: chr19-42791020-G-A.
Other names: c.165G>A, p.Pro55= (NM_015125.5, NM_001379484.1, NM_001379485.1); c.2892G>A, p.Pro964= (NM_001304815.2, NM_001379480.1, NM_001379482.1 and 1 more transcripts).
Identifiers: ClinVar variation 2649975 (VCV002649975.25), dbSNP rs186431081, ClinGen allele CA9471636.

ClinVar aggregate classification (germline): Likely benign. Review status: criteria provided, single submitter (1 of 4 stars). 2 submissions from 2 submitters: Likely benign (1). 1 of the submissions does not count toward it. Last evaluated 2022-06-01.

Conditions:
CIC-related disorder. Also called: CIC-related condition.

Allele frequency attached by ClinVar (database versions not stated): ExAC 0.00005; gnomAD exomes 0.00007; gnomAD 0.00009; TOPMed 0.00011; 1000 Genomes Project 0.00020; 1000 Genomes Project 30x 0.00031.

Submissions (2):

CeGaT Center for Human Genetics Tuebingen
Classification: Likely benign. Last evaluated: 2022-06-01. Review status: criteria provided, single submitter. Criteria: CeGaT Center For Human Genetics Tuebingen Variant Classification Criteria Version 2. Collection method: clinical testing. Allele origin: germline. Affected: yes. Observed: 1 variant allele.
Comment: CIC: BP4, BP7

PreventionGenetics, part of Exact Sciences
Classification: Likely benign for CIC-related condition. Last evaluated: 2022-05-24. Review status: no assertion criteria provided. Collection method: clinical testing. Allele origin: germline. Not counted in ClinVar's aggregate classification.
Comment: This variant is classified as likely benign based on ACMG/AMP sequence variant interpretation guidelines (Richards et al. 2015 PMID: 25741868, with internal and published modifications).